The following is an entry in ClinVar:

NM_002485.5(NBN):c.2234+2T>C

Gene: NBN (nibrin; minus strand). Cytogenetic location: 8q21.3.
Variant type: single nucleotide variant.
Coding change: c.2234+2T>C on transcript NM_002485.5 (MANE Select); the canonical splice donor site of the intron after coding-DNA position 2234, T replaced by C.
Molecular consequence: splice donor variant.
Genome position (GRCh38, 1-based): chr8:89,937,024, A>G on the plus strand (T>C on the coding strand, the complement: NBN is on the minus strand). VCF-style: chr8-89937024-A-G. GRCh37 (hg19) VCF-style: chr8-90949252-A-G.
Other names: c.1988+2T>C (NM_001024688.3).
Identifiers: ClinVar variation 2480194 (VCV002480194.2), dbSNP rs142301194, ClinGen allele CA371674731.

ClinVar aggregate classification (germline): Uncertain significance (1 of 4 stars; one submission).

Conditions:
Hereditary cancer-predisposing syndrome. Also called: Neoplastic Syndromes, Hereditary; Hereditary neoplastic syndrome; Tumor predisposition; Hereditary Cancer Syndrome. Identifiers: Orphanet 140162, MedGen C0027672, MeSH D009386, MONDO:0015356.

Submission:

Ambry Genetics
Classification: Uncertain significance for Hereditary cancer-predisposing syndrome. Last evaluated: 2023-02-10. Review status: criteria provided, single submitter. Criteria: Ambry Variant Classification Scheme 2023. Collection method: clinical testing. Allele origin: germline.
Comment: The c.2234+2T>C intronic variant results from a T to C substitution two nucleotides after coding exon 15 in the NBN gene. This nucleotide position is highly conserved in available vertebrate species. This alteration occurs at the 3' terminus of the NBN gene, is not expected to trigger nonsense-mediated mRNA decay, and only impacts the last 25 amino acids of the protein. The exact functional effect of this alteration is unknown. In silico splice site analysis predicts that this alteration will weaken the native splice donor site; however, direct evidence is insufficient at this time (Ambry internal data). Since supporting evidence is limited at this time, the clinical significance of this alteration remains unclear.